The following is an entry in ClinVar:

NM_000257.4(MYH7):c.3809T>C (p.Val1270Ala)

Gene: MYH7 (myosin heavy chain 7; minus strand). Cytogenetic location: 14q11.2.
Variant type: single nucleotide variant.
Coding change: c.3809T>C on transcript NM_000257.4 (MANE Select); coding-DNA position 3809, T replaced by C.
Protein change: p.Val1270Ala; replaces valine 1270 with alanine.
Molecular consequence: missense variant.
Genome position (GRCh38, 1-based): chr14:23,419,527, A>G on the plus strand (T>C on the coding strand, the complement: MYH7 is on the minus strand). VCF-style: chr14-23419527-A-G. GRCh37 (hg19) VCF-style: chr14-23888736-A-G.
Other names: c.3809T>C, p.Val1270Ala (NM_001407004.1); short protein forms V1270A.
Identifiers: ClinVar variation 3005710 (VCV003005710.3), dbSNP rs775308431, ClinGen allele CA039008.
Genomic context (GRCh38, chr14:23,419,527, plus strand): 5'-CCTGCTCTAGGCTCACCATTCTCGGTTTGCAACTTGGCCCGCTGGCTGGTGAGGTCGTTG[A>G]CAGAACGCTGGGTCTCCTCCGCCTTGCTCCGGTGCTCATTCATCTGGTCTTCCAAGGTCC-3'
Protein context (NP_000248.2, residues 1260-1280): RSKAEETQRS[Val1270Ala]NDLTSQRAKL

ClinVar aggregate classification (germline): Uncertain significance (1 of 4 stars; one submission).

Conditions:
Hypertrophic cardiomyopathy. Also called: HYPERTROPHIC MYOCARDIOPATHY. Identifiers: Orphanet 217569, MedGen C0007194, MeSH D002312, MONDO:0005045, HP:0001639.

Allele frequency attached by ClinVar (database versions not stated): gnomAD 0.00002; TOPMed 0.00001; gnomAD exomes below 0.00001; ExAC 0.00001.
gnomAD v4.1: 4 of 1,613,846 alleles (0.00025%); highest among the groups gnomAD compares: African/African-American, 0.0053%; no homozygotes.

Submission:

Labcorp Genetics (formerly Invitae), Labcorp
Classification: Uncertain significance for Hypertrophic cardiomyopathy. Last evaluated: 2025-11-23. Review status: criteria provided, single submitter. Criteria: Invitae Variant Classification Sherloc (09022015). Collection method: clinical testing. Allele origin: germline.
Comment: This sequence change replaces valine, which is neutral and non-polar, with alanine, which is neutral and non-polar, at codon 1270 of the MYH7 protein (p.Val1270Ala). This variant is present in population databases (rs775308431, gnomAD 0.007%). This variant has not been reported in the literature in individuals affected with MYH7-related conditions. ClinVar contains an entry for this variant (Variation ID: 3005710). Invitae Evidence Modeling of protein sequence and biophysical properties (such as structural, functional, and spatial information, amino acid conservation, physicochemical variation, residue mobility, and thermodynamic stability) indicates that this missense variant is not expected to disrupt MYH7 protein function with a negative predictive value of 95%. In summary, the available evidence is currently insufficient to determine the role of this variant in disease. Therefore, it has been classified as a Variant of Uncertain Significance.